The following is an entry in ClinVar:

NM_144599.5(NIPA1):c.550G>A (p.Gly184Arg)

Gene: NIPA1 (NIPA magnesium transporter 1; plus strand). Cytogenetic location: 15q11.2.
Variant type: single nucleotide variant.
Coding change: c.550G>A on transcript NM_144599.5 (MANE Select); coding-DNA position 550, G replaced by A.
Protein change: p.Gly184Arg; replaces glycine 184 with arginine.
Molecular consequence: missense variant.
Genome position (GRCh38, 1-based): chr15:22,823,799, G>A. VCF-style: chr15-22823799-G-A. GRCh37 (hg19) VCF-style: chr15-23049269-C-T.
Other names: c.325G>A, p.Gly109Arg (NM_001142275.1); short protein forms G109R, G184R.
Identifiers: ClinVar variation 3372796 (VCV003372796.1).
Genomic context (GRCh38, chr15:22,823,799, plus strand): 5'-TACCTGTGCATCGTGCTGCTCATGCTGCTGCTGCTCATCTTCTGGATCGCGCCGGCCCAT[G>A]GGCCCACCAACATCATGGTCTACATCAGCATCTGCTCCTTGCTGGGCAGTTTCACCGTGC-3'
Protein context (NP_653200.2, residues 174-194): LLIFWIAPAH[Gly184Arg]PTNIMVYISI

ClinVar aggregate classification (germline): Uncertain significance (1 of 4 stars; one submission).

Submission:

GeneDx
Classification: Uncertain significance. Last evaluated: 2024-04-18. Review status: criteria provided, single submitter. Criteria: GeneDx Variant Classification Process June 2021. Collection method: clinical testing. Allele origin: germline. Affected: yes.
Comment: Not observed at significant frequency in large population cohorts (gnomAD); In silico analysis supports that this missense variant has a deleterious effect on protein structure/function; Has not been previously published as pathogenic or benign to our knowledge